The following is an entry in ClinVar:

NM_001164508.2(NEB):c.25055C>T (p.Thr8352Ile)

Genes: RIF1 (replication timing regulatory factor 1; plus strand), NEB (nebulin; minus strand). Cytogenetic location: 2q23.3.
Variant type: single nucleotide variant.
Coding change: c.25055C>T on transcript NM_001164508.2 (MANE Select); coding-DNA position 25055, C replaced by T.
Protein change: p.Thr8352Ile; replaces threonine 8352 with isoleucine.
Molecular consequence: missense variant.
Genome position (GRCh38, 1-based): chr2:151,492,100, G>A on the plus strand (C>T on the coding strand, the complement: NEB is on the minus strand). VCF-style: chr2-151492100-G-A. GRCh37 (hg19) VCF-style: chr2-152348614-G-A.
Other names: c.25055C>T, p.Thr8352Ile (NM_001164507.2); c.25160C>T, p.Thr8387Ile (NM_001271208.2); c.19487C>T, p.Thr6496Ile (NM_004543.5); c.19487C>T (NM_004543.4); short protein forms T6496I, T8352I, T8387I.
Identifiers: ClinVar variation 861273 (VCV000861273.10), dbSNP rs372762302, ClinGen allele CA1905844.

ClinVar aggregate classification (germline): Uncertain significance. Review status: criteria provided, multiple submitters, no conflicts (2 of 4 stars). 5 submissions from 5 submitters: Uncertain significance (3). 2 of the submissions do not count toward it. Last evaluated 2025-03-01.

Conditions:
NEB-related disorder. Also called: NEB-Related Disorders; NEB-related condition.
Nemaline myopathy 2 (NEM2). Also called: Nemaline myopathy 2, autosomal recessive. Identifiers: MedGen C1850569, MONDO:0009725, OMIM 256030.
Inborn genetic diseases. Identifiers: MedGen C0950123, MeSH D030342.

Allele frequency attached by ClinVar (database versions not stated): ESP Exome Variant Server 0.00008; gnomAD 0.00011 and 0.00012; gnomAD exomes 0.00001 and 0.00005; ExAC 0.00004; TOPMed 0.00014; 1000 Genomes Project 30x 0.00016; 1000 Genomes Project 0.00020.
gnomAD v4.1: 38 of 1,613,784 alleles (0.0024%); highest among the groups gnomAD compares: African/African-American, 0.036%; no homozygotes.

Submissions (5):

Ambry Genetics
Classification: Uncertain significance for Inborn genetic diseases. Last evaluated: 2025-03-01. Review status: criteria provided, single submitter. Criteria: Ambry Variant Classification Scheme 2023. Collection method: clinical testing. Allele origin: germline.

Labcorp Genetics (formerly Invitae), Labcorp
Classification: Uncertain significance for Nemaline myopathy 2. Last evaluated: 2024-10-28. Review status: criteria provided, single submitter. Criteria: Invitae Variant Classification Sherloc (09022015). Collection method: clinical testing. Allele origin: germline.
Comment: This sequence change replaces threonine, which is neutral and polar, with isoleucine, which is neutral and non-polar, at codon 8387 of the NEB protein (p.Thr8387Ile). This variant is present in population databases (rs372762302, gnomAD 0.05%). This variant has not been reported in the literature in individuals affected with NEB-related conditions. ClinVar contains an entry for this variant (Variation ID: 861273). Experimental studies and prediction algorithms are not available or were not evaluated, and the functional significance of this variant is currently unknown. In summary, the available evidence is currently insufficient to determine the role of this variant in disease. Therefore, it has been classified as a Variant of Uncertain Significance.

Revvity Omics, Revvity
Classification: Uncertain significance. Last evaluated: 2024-06-26. Review status: criteria provided, single submitter. Criteria: ACMG Guidelines, 2015. Collection method: clinical testing. Allele origin: germline.

PreventionGenetics, part of Exact Sciences
Classification: Uncertain significance for NEB-related condition. Last evaluated: 2024-07-22. Review status: no assertion criteria provided. Collection method: clinical testing. Allele origin: germline. Not counted in ClinVar's aggregate classification.
Comment: The NEB c.25160C>T variant is predicted to result in the amino acid substitution p.Thr8387Ile. To our knowledge, this variant has not been reported in the literature. This variant is reported in 0.050% of alleles in individuals of African descent in gnomAD. At this time, the clinical significance of this variant is uncertain due to the absence of conclusive functional and genetic evidence.

Natera, Inc.
Classification: Uncertain significance for Nemaline myopathy type 2. Last evaluated: 2020-09-16. Review status: no assertion criteria provided. Collection method: clinical testing. Allele origin: germline. Not counted in ClinVar's aggregate classification.